The following is an entry in ClinVar:

NM_014855.3(AP5Z1):c.1037G>C (p.Ser346Thr)

Gene: AP5Z1 (adaptor related protein complex 5 subunit zeta 1; plus strand). Cytogenetic location: 7p22.1.
Variant type: single nucleotide variant.
Coding change: c.1037G>C on transcript NM_014855.3 (MANE Select); coding-DNA position 1037, G replaced by C.
Protein change: p.Ser346Thr; replaces serine 346 with threonine.
Molecular consequence: missense variant. On other transcripts: non-coding transcript variant (1).
Genome position (GRCh38, 1-based): chr7:4,785,589, G>C. VCF-style: chr7-4785589-G-C. GRCh37 (hg19) VCF-style: chr7-4825220-G-C.
Other names: c.569G>C, p.Ser190Thr (NM_001364858.1); short protein forms S190T, S346T.
Identifiers: ClinVar variation 1800761 (VCV001800761.4), dbSNP rs1160242747, ClinGen allele CA366661309.

ClinVar aggregate classification (germline): Uncertain significance. Review status: criteria provided, multiple submitters, no conflicts (2 of 4 stars). 2 submissions from 2 submitters: Uncertain significance (2). Last evaluated 2024-10-17.

Conditions:
Hereditary spastic paraplegia 48. Also called: Spastic paraplegia 48; SPASTIC PARAPLEGIA 48, AUTOSOMAL RECESSIVE. Identifiers: Orphanet 306511, MedGen C3150901, MONDO:0013342, OMIM 613647.

Allele frequency attached by ClinVar (database versions not stated): gnomAD exomes below 0.00001.
gnomAD v4.1: 6 of 1,603,474 alleles (0.00037%); highest among the groups gnomAD compares: Non-Finnish European, 0.00051%; no homozygotes.

Submissions (2):

Labcorp Genetics (formerly Invitae), Labcorp
Classification: Uncertain significance for Hereditary spastic paraplegia 48. Last evaluated: 2024-10-17. Review status: criteria provided, single submitter. Criteria: Invitae Variant Classification Sherloc (09022015). Collection method: clinical testing. Allele origin: germline.
Comment: This sequence change replaces serine, which is neutral and polar, with threonine, which is neutral and polar, at codon 346 of the AP5Z1 protein (p.Ser346Thr). This variant is present in population databases (no rsID available, gnomAD 0.002%). This variant has not been reported in the literature in individuals affected with AP5Z1-related conditions. ClinVar contains an entry for this variant (Variation ID: 1800761). Invitae Evidence Modeling of protein sequence and biophysical properties (such as structural, functional, and spatial information, amino acid conservation, physicochemical variation, residue mobility, and thermodynamic stability) indicates that this missense variant is not expected to disrupt AP5Z1 protein function with a negative predictive value of 80%. In summary, the available evidence is currently insufficient to determine the role of this variant in disease. Therefore, it has been classified as a Variant of Uncertain Significance.

GeneDx
Classification: Uncertain significance. Last evaluated: 2022-05-21. Review status: criteria provided, single submitter. Criteria: GeneDx Variant Classification Process June 2021. Collection method: clinical testing. Allele origin: germline. Affected: yes.
Comment: Not observed at significant frequency in large population cohorts (gnomAD); In silico analysis supports that this missense variant does not alter protein structure/function; Has not been previously published as pathogenic or benign to our knowledge